The following is an entry in ClinVar:

ClinVar aggregate classification (germline): Pathogenic (1 of 4 stars; one submission).

Conditions:
Neurofibromatosis, type 1 (NF1). Also called: NEUROFIBROMATOSIS, TYPE I, SOMATIC; Peripheral type neurofibromatosis; VON RECKLINGHAUSEN DISEASE; Neurofibromatosis, type I. Identifiers: Orphanet 636, MedGen C0027831, MONDO:0018975, OMIM 162200. Disease mechanism: loss of function.

Submission:

Labcorp Genetics (formerly Invitae), Labcorp
Classification: Pathogenic for Neurofibromatosis, type 1. Last evaluated: 2024-09-03. Review status: criteria provided, single submitter. Criteria: Invitae Variant Classification Sherloc (09022015). Collection method: clinical testing. Allele origin: germline.
Comment: This sequence change creates a premature translational stop signal (p.Tyr1401Thrfs*3) in the NF1 gene. It is expected to result in an absent or disrupted protein product. Loss-of-function variants in NF1 are known to be pathogenic (PMID: 10712197, 23913538). This variant is not present in population databases (gnomAD no frequency). This variant has not been reported in the literature in individuals affected with NF1-related conditions. For these reasons, this variant has been classified as Pathogenic.

Literature cited by the submitters: PubMed 10712197; PubMed 23913538.

NM_001042492.3(NF1):c.4259_4262dup (p.Tyr1422fs)

Gene: NF1 (neurofibromin 1; plus strand). Cytogenetic location: 17q11.2.
Variant type: Duplication.
Coding change: c.4259_4262dup on transcript NM_001042492.3 (MANE Select); coding-DNA positions 4259 to 4262, 4 bases duplicated (CACC; older notation c.4259_4262dupCACC).
Protein change: p.Tyr1422fs; shifts the reading frame from tyrosine 1422.
Molecular consequence: frameshift variant.
Genome position (GRCh38, 1-based): chr17:31,258,429-31,258,432, CACC duplicated. VCF-style (leftmost placement, unchanged base first): chr17-31258428-T-TCACC. GRCh37 (hg19) VCF-style: chr17-29585446-T-TCACC.
Other names: c.4196_4199dup, p.Tyr1401Thrfs (NM_000267.4); short protein forms Y1401fs, Y1422fs.
Identifiers: ClinVar variation 2812736 (VCV002812736.3), dbSNP rs2508408947, ClinGen allele CA2739267393.